The following is an entry in ClinVar:

NM_020699.4(GATAD2B):c.918del (p.Pro307fs)

Gene: GATAD2B (GATA zinc finger domain containing 2B; minus strand). Cytogenetic location: 1q21.3.
Variant type: Deletion.
Coding change: c.918del on transcript NM_020699.4 (MANE Select); coding-DNA position 918, one base deleted (T; older notation c.918delT).
Protein change: p.Pro307fs; shifts the reading frame from proline 307.
Molecular consequence: frameshift variant.
Genome position (GRCh38, 1-based): chr1:153,816,571, A deleted on the plus strand (T on the coding strand, the reverse complement: GATAD2B is on the minus strand); the first of 2 consecutive A bases (chr1:153,816,571-153,816,572); deleting either gives the same sequence. VCF-style (leftmost placement, unchanged base first): chr1-153816570-GA-G. GRCh37 (hg19) VCF-style: chr1-153789046-GA-G.
Other names: short protein forms P307fs.
Identifiers: ClinVar variation 419376 (VCV000419376.7), dbSNP rs1064793829, ClinGen allele CA16616979.

ClinVar aggregate classification (germline): Pathogenic. Review status: criteria provided, multiple submitters, no conflicts (2 of 4 stars). 3 submissions from 3 submitters: Pathogenic (3). Last evaluated 2023-04-11.

Conditions:
Severe intellectual disability-poor language-strabismus-grimacing face-long fingers syndrome (GAND). Also called: GAND SYNDROME. Identifiers: Orphanet 363686, MedGen C3554448, MONDO:0014034, OMIM 615074.

Submissions (3):

Genome-Nilou Lab
Classification: Pathogenic for Severe intellectual disability-poor language-strabismus-grimacing face-long fingers syndrome. Last evaluated: 2023-04-11. Review status: criteria provided, single submitter. Criteria: ACMG Guidelines, 2015. Collection method: clinical testing. Allele origin: germline. Affected: no.

GeneDx
Classification: Pathogenic. Last evaluated: 2019-08-15. Review status: criteria provided, single submitter. Criteria: GeneDx Variant Classification Process June 2021. Collection method: clinical testing. Allele origin: germline. Affected: yes.
Comment: Frameshift variant predicted to result in protein truncation or nonsense mediated decay in a gene for which loss-of-function is a known mechanism of disease; Not observed in large population cohorts (Lek et al., 2016); Has not been previously published as pathogenic or benign to our knowledge; This variant is associated with the following publications: (PMID: 31949314)

Geisinger Autism and Developmental Medicine Institute, Geisinger Health System
Classification: Pathogenic for Severe intellectual disability-poor language-strabismus-grimacing face-long fingers syndrome. Last evaluated: 2017-02-26. Review status: criteria provided, single submitter. Criteria: ACMG Guidelines, 2015. Collection method: provider interpretation, clinical testing. Allele origin: de novo. Affected: yes. Observed: 1 variant allele.
Comment: Pathogenic variants in this gene are associated with intellectual disability, limited language development, esotropia, and dysmorphic features. This variant is absent from population databases, and it is predicted to cause loss of normal protein function either through protein truncation or nonsense-mediated mRNA decay.

Literature cited by the submitters: PubMed 28077840 (cited by Geisinger Autism and Developmental Medicine Institute, Geisinger Health System).